The following is an entry in ClinVar:

ClinVar aggregate classification (germline): Uncertain significance (1 of 4 stars; one submission).

Conditions:
Beck-Fahrner syndrome (BEFAHRS). Identifiers: Orphanet 684216, MedGen C5394097, MONDO:0032922, OMIM 618798.

Submission:

Pittsburgh Clinical Genomics Laboratory, University of Pittsburgh Medical Center
Classification: Uncertain significance for Beck-Fahrner syndrome. Last evaluated: 2022-09-26. Review status: criteria provided, single submitter. Criteria: ACMG Guidelines, 2015. Collection method: clinical testing. Allele origin: germline. Inheritance: Autosomal unknown. Affected: yes.
Comment: This sequence variant is a single nucleotide substitution (C>T) at coding position 2522 of the TET3 gene that results in a proline to leucine amino acid change at residue 841 of the TET3 protein. This is a novel variant that has not been previously reported in clinical variant databases or in the literature in individuals with TET3-related disease. This variant is absent from the gnomAD control population database (0 of ~250,000 alleles). Multiple bioinformatic tools predict that this variant would be damaging, and the Pro841 residue is highly conserved across the vertebrate species examined. Functiol studies testing the effect of this variant on protein structure or activity have not been performed, to our knowledge. At this time, there is insufficient evidence to determine if this variant is pathogenic or benign. Therefore, we consider this to be a variant of uncertain significance. ACMG Criteria: PM2, PP3

NM_001287491.2(TET3):c.2522C>T (p.Pro841Leu)

Gene: TET3 (tet methylcytosine dioxygenase 3; plus strand). Cytogenetic location: 2p13.1.
Variant type: single nucleotide variant.
Coding change: c.2522C>T on transcript NM_001287491.2 (MANE Select); coding-DNA position 2522, C replaced by T.
Protein change: p.Pro841Leu; replaces proline 841 with leucine.
Molecular consequence: missense variant.
Genome position (GRCh38, 1-based): chr2:74,073,576, C>T. VCF-style: chr2-74073576-C-T. GRCh37 (hg19) VCF-style: chr2-74300703-C-T.
Other names: c.2243C>T, p.Pro748Leu (NM_001366022.1); short protein forms P748L, P841L.
Identifiers: ClinVar variation 3376206 (VCV003376206.1).